The following is an entry in ClinVar:

NM_007294.4(BRCA1):c.4843G>A (p.Ala1615Thr)

Gene: BRCA1 (BRCA1 DNA repair associated; minus strand). Cytogenetic location: 17q21.31.
Variant type: single nucleotide variant.
Coding change: c.4843G>A on transcript NM_007294.4 (MANE Select); coding-DNA position 4843, G replaced by A.
Protein change: p.Ala1615Thr; replaces alanine 1615 with threonine.
Molecular consequence: missense variant. On other transcripts: non-coding transcript variant (1).
Genome position (GRCh38, 1-based): chr17:43,071,071, C>T on the plus strand (G>A on the coding strand, the complement: BRCA1 is on the minus strand). VCF-style: chr17-43071071-C-T. GRCh37 (hg19) VCF-style: chr17-41223088-C-T.
Other names: 4962G>A; c.1531G>A, p.Ala511Thr (NM_001407985.1, NM_001407986.1, NM_001407990.1 and 13 more transcripts); c.4840G>A, p.Ala1614Thr (NM_001407626.1, NM_001407610.1, NM_001407611.1 and 17 more transcripts); c.4837G>A, p.Ala1613Thr (NM_001407627.1, NM_001407628.1, NM_001407629.1 and 14 more transcripts); c.4720G>A, p.Ala1574Thr (NM_001407667.1, NM_001407668.1, NM_001407669.1 and 6 more transcripts); c.4717G>A, p.Ala1573Thr (NM_001407670.1, NM_001407671.1, NM_001407672.1 and 11 more transcripts); c.4843G>A, p.Ala1615Thr (NM_001407602.1, NM_001407603.1, NM_001407605.1 and 8 more transcripts); c.4831G>A, p.Ala1611Thr (NM_001407646.1); and 71 more; short protein forms A1615T, A511T, A1568T, A1636T, A1461T, A1525T, A1527T, A1545T.
Identifiers: ClinVar variation 55302 (VCV000055302.44), dbSNP rs80356987, ClinGen allele CA003050.

ClinVar aggregate classification (germline): Conflicting classifications of pathogenicity. Review status: criteria provided, conflicting classifications (1 of 4 stars). 21 submissions from 21 submitters: Uncertain significance (13); Benign (1); Likely benign (2). 5 of the submissions do not count toward it. Last evaluated 2026-01-06.

Conditions:
Breast and/or ovarian cancer. Identifiers: MedGen CN221562.
Breast neoplasm. Also called: Neoplasm of the breast; Neoplasm of breast; Breast tumor; Breast Neoplasms. Identifiers: MedGen C1458155, MeSH D001943, MONDO:0021100, HP:0100013. Disease mechanism: gain of function.
Breast-ovarian cancer, familial, susceptibility to, 1 (BROVCA1). Also called: BRCA1 Hereditary Breast and Ovarian Cancer; OVARIAN CANCER, SUSCEPTIBILITY TO. Identifiers: Orphanet 145, MedGen C2676676, MONDO:0011450, OMIM 604370. Disease mechanism: loss of function.
Familial cancer of breast. Also called: hereditary breast carcinoma; BREAST CANCER, FAMILIAL; Hereditary breast cancer. Identifiers: Orphanet 227535, MedGen C0346153, MONDO:0016419, OMIM 114480. Disease mechanism: loss of function.
Fanconi anemia, complementation group S (FANCS). Identifiers: MedGen C4554406, MONDO:0054748, OMIM 617883.
Pancreatic cancer, susceptibility to, 4. Identifiers: Orphanet 1333, MedGen C3280442, MONDO:0013685, OMIM 614320.
Hereditary cancer-predisposing syndrome. Also called: Hereditary Cancer Syndrome; Hereditary neoplastic syndrome; Neoplastic Syndromes, Hereditary; Tumor predisposition. Identifiers: Orphanet 140162, MedGen C0027672, MeSH D009386, MONDO:0015356.
Hereditary breast ovarian cancer syndrome. Also called: BRCA1- and BRCA2-Associated Hereditary Breast and Ovarian Cancer; Hereditary breast and ovarian cancer syndrome; Hereditary breast and ovarian cancer syndrome (HBOC); Breast and ovarian cancer; Hereditary breast and/or ovarian cancer syndrome; Hereditary breast and ovarian cancer. Identifiers: Orphanet 145, MedGen C0677776, MeSH D061325, MONDO:0003582. Disease mechanism: loss of function.
Malignant tumor of breast. Also called: Cancer breast; Malignant breast neoplasm. Identifiers: MedGen C0006142, MONDO:0007254. Disease mechanism: loss of function.

Allele frequency attached by ClinVar (database versions not stated): TOPMed 0.00001; gnomAD 0.00001; gnomAD exomes 0.00001 and below 0.00001.
gnomAD v4.1: 10 of 1,614,058 alleles (0.00062%); highest among the groups gnomAD compares: Non-Finnish European, 0.00085%; no homozygotes.

Submissions 1 to 8 of 21:

Labcorp Genetics (formerly Invitae), Labcorp
Classification: Uncertain significance for Hereditary breast ovarian cancer syndrome. Last evaluated: 2026-01-06. Review status: criteria provided, single submitter. Criteria: Invitae Variant Classification Sherloc (09022015). Collection method: clinical testing. Allele origin: germline.
Comment: This sequence change replaces alanine, which is neutral and non-polar, with threonine, which is neutral and polar, at codon 1615 of the BRCA1 protein (p.Ala1615Thr). This variant is present in population databases (rs80356987, gnomAD 0.0009%). This missense change has been observed in individual(s) with personal and/or family history of breast and/or ovarian cancer (PMID: 12142080, 17453335, 22752604, 24884479, 25896959, 27062684, 35023674). This variant is also known as 4962G>A. ClinVar contains an entry for this variant (Variation ID: 55302). Invitae Evidence Modeling of protein sequence and biophysical properties (such as structural, functional, and spatial information, amino acid conservation, physicochemical variation, residue mobility, and thermodynamic stability) indicates that this missense variant is not expected to disrupt BRCA1 protein function with a negative predictive value of 95%. Experimental studies have shown that this missense change does not substantially affect BRCA1 function (PMID: 28781887, 30765603, 32546644). In summary, the available evidence is currently insufficient to determine the role of this variant in disease. Therefore, it has been classified as a Variant of Uncertain Significance.

Color Diagnostics, LLC DBA Color Health
Classification: Likely benign for Hereditary cancer-predisposing syndrome. Last evaluated: 2025-12-09. Review status: criteria provided, single submitter. Criteria: ACMG Guidelines, 2015. Collection method: clinical testing. Allele origin: germline.

Women's Health and Genetics/Laboratory Corporation of America, LabCorp
Classification: Uncertain significance. Last evaluated: 2025-10-23. Review status: criteria provided, single submitter. Criteria: LabCorp Variant Classification Summary - May 2015. Collection method: clinical testing. Allele origin: germline.
Comment: Variant summary: BRCA1 c.4843G>A (p.Ala1615Thr) results in a non-conservative amino acid change in the encoded protein sequence. Algorithms developed to predict the effect of missense changes on protein structure and function are either unavailable or do not agree on the potential impact of this missense change. The variant allele was found at a frequency of 4e-06 in 251402 control chromosomes. The available data on variant occurrences in the general population are insufficient to allow any conclusion about variant significance. c.4843G>A has been reported in the literature in individuals affected with breast and/or ovarian cancers and/or with a family history of BRCA-related cancers (e.g. Ladopoulou_2002, Juwle_2012, Silva_2014, Dargenio_2015, Azzollini_2016, Bisgin_2022). These reports do not provide unequivocal conclusions about association of the variant with Hereditary Breast And Ovarian Cancer Syndrome. Publications report experimental evidence evaluating an impact on protein function (Fernandez_2019, Bouwman_2020). These results showed no damaging effect of this variant. The following publications have been ascertained in the context of this evaluation (PMID: 12142080, 22752604, 24884479, 25896959, 28781887, 27062684, 32546644, 32806537, 35753294, 30765603). ClinVar contains an entry for this variant (Variation ID: 55302). Based on the evidence outlined above, the variant was classified as uncertain significance.

Ambry Genetics
Classification: Uncertain significance for Hereditary cancer-predisposing syndrome. Last evaluated: 2025-05-13. Review status: criteria provided, single submitter. Criteria: Ambry Variant Classification Scheme 2023. Collection method: clinical testing. Allele origin: germline.
Comment: The p.A1615T variant (also known as c.4843G>A), located in coding exon 14 of the BRCA1 gene, results from a G to A substitution at nucleotide position 4843. The alanine at codon 1615 is replaced by threonine, an amino acid with similar properties. This variant has been reported in multiple breast and ovarian cancer cohorts (Ladopoulou A et al. Cancer Lett. 2002 Nov;185(1):61-70; Konstantopoulou I et al. Breast Cancer Res. Treat., 2008 Feb;107:431-41; Juwle A et al. Med. Oncol. 2012 Dec;29(5):3272-81; Silva FC et al. BMC Med. Genet. 2014 May;15:55; D'Argenio V et al. Clin. Chim. Acta. 2015 Jun;446:221-5; Azzollini J et al. Eur. J. Intern. Med. 2016 Jul;32:65-71; Grigore LG et al. Curr Issues Mol Biol, 2024 May;46:4630-4645). One study reports this variant to have functional transcriptional activation (Woods NT et al. NPJ Genom Med . 2016 Mar;1). This amino acid position is well conserved in available vertebrate species. In addition, the in silico prediction for this alteration is inconclusive. Based on the available evidence, the clinical significance of this variant remains unclear.

Institute for Biomarker Research, Medical Diagnostic Laboratories, L.L.C.
Classification: Uncertain significance for Hereditary breast ovarian cancer syndrome. Last evaluated: 2025-02-25. Review status: criteria provided, single submitter. Criteria: ACMG Guidelines, 2015. Collection method: clinical testing. Allele origin: germline.
Comment: The missense variant NM_007294.4(BRCA1):c.4843G>A (p.Ala1615Thr) has not been reported previously as a pathogenic variant nor as a benign variant, to our knowledge. The p.Ala1615Thr variant is observed in 1/113,684 (0.0009%) alleles from individuals of gnomAD Non Finnish European background in gnomAD. There is a small physicochemical difference between alanine and threonine, which is not likely to impact secondary protein structure as these residues share similar properties. The gene BRCA1 has a low rate of benign missense variation as indicated by a high missense variants Z-Score of 2.32.The nucleotide c.4843 in BRCA1 is not conserved according to a GERP++ and PhyloP analysis of 100 vertebrates. For these reasons, this variant has been classified as Uncertain Significance.

Blueprint Genetics
Classification: Likely benign. Last evaluated: 2024-10-14. Review status: criteria provided, single submitter. Criteria: ACMG Guidelines, 2015. Collection method: clinical testing. Allele origin: germline.

Molecular Pathology, Peter Maccallum Cancer Centre
Classification: Benign for Breast-ovarian cancer, familial, susceptibility to, 1. Last evaluated: 2024-08-26. Review status: criteria provided, single submitter. Criteria: ACMG Guidelines, 2015. Collection method: clinical testing. Allele origin: germline. Inheritance: Autosomal dominant inheritance.

Baylor Genetics
Classification: Uncertain significance for Breast-ovarian cancer, familial, susceptibility to, 1. Last evaluated: 2023-10-15. Review status: criteria provided, single submitter. Criteria: ACMG Guidelines, 2015. Collection method: clinical testing. Allele origin: unknown.